The following is an entry in ClinVar:

NM_000540.3(RYR1):c.3557-5A>G

Gene: RYR1 (ryanodine receptor 1; plus strand). Cytogenetic location: 19q13.2.
Variant type: single nucleotide variant.
Coding change: c.3557-5A>G on transcript NM_000540.3 (MANE Select); 5 bases into the intron before coding-DNA position 3557, A replaced by G.
Molecular consequence: intron variant.
Genome position (GRCh38, 1-based): chr19:38,469,300, A>G. VCF-style: chr19-38469300-A-G. GRCh37 (hg19) VCF-style: chr19-38959940-A-G.
Other names: c.3557-5A>G (NM_001042723.2).
Identifiers: ClinVar variation 1320547 (VCV001320547.12), dbSNP rs1172235422, ClinGen allele CA882052102.

ClinVar aggregate classification (germline): Likely benign. Review status: criteria provided, multiple submitters, no conflicts (2 of 4 stars). 4 submissions from 4 submitters: Likely benign (4). Last evaluated 2023-08-23.

Conditions:
RYR1-related disorder. Also called: RYR1-related disorders; RYR1-related condition. Identifiers: MedGen CN239331.
Malignant hyperthermia, susceptibility to, 1 (MHS1). Also called: RYR1-Related Malignant Hyperthermia Susceptibility; Anesthesia related hyperthermia; Malignant hyperpyrexia; Fulminating hyperpyrexia; Pharmacogenic myopathy; Malignant hyperthermia suceptibility 1. Identifiers: Orphanet 423, MedGen C2930980, MONDO:0007783, OMIM 145600.

Allele frequency attached by ClinVar (database versions not stated): gnomAD exomes 0.00001; TOPMed 0.00001.
gnomAD v4.1: 16 of 1,612,742 alleles (0.00099%); highest among the groups gnomAD compares: African/African-American, 0.0013%; no homozygotes.

Submissions (4):

All of Us Research Program, National Institutes of Health
Classification: Likely benign for Malignant hyperthermia, susceptibility to, 1. Last evaluated: 2023-08-23. Review status: criteria provided, single submitter. Criteria: ACMG Guidelines, 2015. Collection method: clinical testing. Allele origin: germline. Inheritance: Autosomal dominant inheritance. Observed: 1 variant allele, 1 heterozygote.
Comment: This study involves interpretation of variants in research participants for the purpose of population health screening. Participant phenotype was not available at the time of variant classification. Additional details can be found in publication PMID: 35346344, PMCID: PMC8962531

Color Diagnostics, LLC DBA Color Health
Classification: Likely benign for Malignant hyperthermia, susceptibility to, 1. Last evaluated: 2023-08-16. Review status: criteria provided, single submitter. Criteria: ACMG Guidelines, 2015. Collection method: clinical testing. Allele origin: germline.

Labcorp Genetics (formerly Invitae), Labcorp
Classification: Likely benign for RYR1-related disorder. Last evaluated: 2023-06-22. Review status: criteria provided, single submitter. Criteria: Invitae Variant Classification Sherloc (09022015). Collection method: clinical testing. Allele origin: germline.

GeneDx
Classification: Likely benign. Last evaluated: 2021-11-05. Review status: criteria provided, single submitter. Criteria: GeneDx Variant Classification Process June 2021. Collection method: clinical testing. Allele origin: germline. Affected: yes.